The following is an entry in ClinVar:

ClinVar aggregate classification (germline): Uncertain significance (1 of 4 stars; one submission).

Allele frequency attached by ClinVar (database versions not stated): ExAC 0.00002; gnomAD 0.00003; gnomAD exomes 0.00003; TOPMed 0.00003; ESP Exome Variant Server 0.00008.
gnomAD v4.1: 48 of 1,613,830 alleles (0.003%); highest among the groups gnomAD compares: Non-Finnish European, 0.0039%; no homozygotes.

Submission:

Labcorp Genetics (formerly Invitae), Labcorp
Classification: Uncertain significance. Last evaluated: 2025-01-17. Review status: criteria provided, single submitter. Criteria: Invitae Variant Classification Sherloc (09022015). Collection method: clinical testing. Allele origin: germline.
Comment: This sequence change replaces arginine, which is basic and polar, with glutamine, which is neutral and polar, at codon 275 of the POLD2 protein (p.Arg275Gln). This variant is present in population databases (rs374534297, gnomAD 0.004%). This variant has not been reported in the literature in individuals affected with POLD2-related conditions. ClinVar contains an entry for this variant (Variation ID: 1978254). Experimental studies and prediction algorithms are not available or were not evaluated, and the functional significance of this variant is currently unknown. In summary, the available evidence is currently insufficient to determine the role of this variant in disease. Therefore, it has been classified as a Variant of Uncertain Significance.

NM_006230.4(POLD2):c.719G>A (p.Arg240Gln)

Gene: POLD2 (DNA polymerase delta 2, accessory subunit; minus strand). Cytogenetic location: 7p13.
Variant type: single nucleotide variant.
Coding change: c.719G>A on transcript NM_006230.4 (MANE Select); coding-DNA position 719, G replaced by A.
Protein change: p.Arg240Gln; replaces arginine 240 with glutamine.
Molecular consequence: missense variant.
Genome position (GRCh38, 1-based): chr7:44,116,878, C>T on the plus strand (G>A on the coding strand, the complement: POLD2 is on the minus strand). VCF-style: chr7-44116878-C-T. GRCh37 (hg19) VCF-style: chr7-44156477-C-T.
Other names: c.719G>A, p.Arg240Gln (NM_001127218.3, NM_001256879.2); short protein forms R240Q.
Identifiers: ClinVar variation 1978254 (VCV001978254.4), dbSNP rs374534297, ClinGen allele CA4238755.